The following is an entry in ClinVar:

ClinVar aggregate classification (germline): Pathogenic. Review status: criteria provided, multiple submitters, no conflicts (2 of 4 stars). 2 submissions from 2 submitters: Pathogenic (2). Last evaluated 2026-06-03.

Conditions:
Colorectal cancer, hereditary nonpolyposis, type 7. Identifiers: Orphanet 144, MedGen C1858380, MONDO:0013725, OMIM 614385.

Submissions (2):

Ambry Genetics
Classification: Pathogenic. Last evaluated: 2026-06-03. Review status: criteria provided, single submitter. Criteria: Ambry Variant Classification Scheme 2023. Collection method: clinical testing. Allele origin: germline.
Comment: The c.903delA variant, located in coding exon 1 of the MLH3 gene, results from a deletion of one nucleotide at nucleotide position 903, causing a translational frameshift with a predicted alternate stop codon (p.E301Dfs*7). This variant is considered to be rare based on population cohorts in the Genome Aggregation Database (gnomAD). This alteration is expected to result in loss of function by premature protein truncation or nonsense-mediated mRNA decay. As such, this alteration is interpreted as a disease-causing mutation.

Myriad Genetics, Inc.
Classification: Pathogenic for Colorectal cancer, hereditary nonpolyposis, type 7. Last evaluated: 2026-04-17. Review status: criteria provided, single submitter. Criteria: Myriad Autosomal Dominant, Autosomal Recessive and X-Linked Classification Criteria (2023). Collection method: clinical testing. Allele origin: unknown.
Comment: This variant is considered pathogenic. This variant creates a frameshift predicted to result in premature protein truncation.

NM_001040108.2(MLH3):c.903del (p.Glu301fs)

Gene: MLH3 (mutL homolog 3; minus strand). Cytogenetic location: 14q24.3.
Variant type: Deletion.
Coding change: c.903del on transcript NM_001040108.2 (MANE Select); coding-DNA position 903, one base deleted (A; older notation c.903delA).
Protein change: p.Glu301fs; shifts the reading frame from glutamic acid 301.
Molecular consequence: frameshift variant.
Genome position (GRCh38, 1-based): chr14:75,048,753, T deleted on the plus strand (A on the coding strand, the reverse complement: MLH3 is on the minus strand); the first of 2 consecutive T bases (chr14:75,048,753-75,048,754); deleting either gives the same sequence. VCF-style (leftmost placement, unchanged base first): chr14-75048752-GT-G. GRCh37 (hg19) VCF-style: chr14-75515455-GT-G.
Other names: c.903delA (NM_001040108.1); c.903del, p.Glu301fs (NM_014381.3); short protein forms E301fs.
Identifiers: ClinVar variation 3396628 (VCV003396628.3).
Genomic context (GRCh38, chr14:75,048,752, plus strand): 5'-CCATGCACACATCATACTCACAGAATTGGCACTGCACATTAATTACATATATGCCATAGA[GT>G]TCTGGGGTAGACCGGTGCCGAAGACTTGAATTCATTTGCCTACTGGTGGGACCATTCTTT-3'